The following is an entry in ClinVar:

ClinVar aggregate classification (germline): Uncertain significance. Review status: criteria provided, multiple submitters, no conflicts (2 of 4 stars). 2 submissions from 2 submitters: Uncertain significance (2). Last evaluated 2025-08-27.

Conditions:
Inborn genetic diseases. Identifiers: MedGen C0950123, MeSH D030342.
Lethal multiple pterygium syndrome (LMPS). Identifiers: Orphanet 33108, MedGen C1854678, MONDO:0009668, OMIM 253290.

Allele frequency attached by ClinVar (database versions not stated): TOPMed 0.00001.
gnomAD v4.1: 56 of 1,614,158 alleles (0.0035%); highest among the groups gnomAD compares: Non-Finnish European, 0.0046%; no homozygotes.

Submissions (2):

Ambry Genetics
Classification: Uncertain significance for Inborn genetic diseases. Last evaluated: 2025-08-27. Review status: criteria provided, single submitter. Criteria: Ambry Variant Classification Scheme 2023. Collection method: clinical testing. Allele origin: germline.

Labcorp Genetics (formerly Invitae), Labcorp
Classification: Uncertain significance for Lethal multiple pterygium syndrome. Last evaluated: 2025-05-31. Review status: criteria provided, single submitter. Criteria: Invitae Variant Classification Sherloc (09022015). Collection method: clinical testing. Allele origin: germline.
Comment: This sequence change replaces cysteine, which is neutral and slightly polar, with arginine, which is basic and polar, at codon 162 of the CHRNA1 protein (p.Cys162Arg). This variant is present in population databases (no rsID available, gnomAD 0.007%). This variant has not been reported in the literature in individuals affected with CHRNA1-related conditions. ClinVar contains an entry for this variant (Variation ID: 1463559). Invitae Evidence Modeling of protein sequence and biophysical properties (such as structural, functional, and spatial information, amino acid conservation, physicochemical variation, residue mobility, and thermodynamic stability) indicates that this missense variant is expected to disrupt CHRNA1 protein function with a positive predictive value of 80%. In summary, the available evidence is currently insufficient to determine the role of this variant in disease. Therefore, it has been classified as a Variant of Uncertain Significance.

NM_000079.4(CHRNA1):c.484T>C (p.Cys162Arg)

Gene: CHRNA1 (cholinergic receptor nicotinic alpha 1 subunit; minus strand). Cytogenetic location: 2q31.1.
Variant type: single nucleotide variant.
Coding change: c.484T>C on transcript NM_000079.4 (MANE Select); coding-DNA position 484, T replaced by C.
Protein change: p.Cys162Arg; replaces cysteine 162 with arginine.
Molecular consequence: missense variant.
Genome position (GRCh38, 1-based): chr2:174,754,275, A>G on the plus strand (T>C on the coding strand, the complement: CHRNA1 is on the minus strand). VCF-style: chr2-174754275-A-G. GRCh37 (hg19) VCF-style: chr2-175619003-A-G.
Other names: c.559T>C, p.Cys187Arg (NM_001039523.3); c.484T>C (NM_000079.3); short protein forms C162R, C187R.
Identifiers: ClinVar variation 1463559 (VCV001463559.9), dbSNP rs773556274, ClinGen allele CA60852823.